The following is an entry in ClinVar:

NM_001110556.2(FLNA):c.5787G>A (p.Pro1929=)

Gene: FLNA (filamin A; minus strand). Cytogenetic location: Xq28.
Variant type: single nucleotide variant.
Coding change: c.5787G>A on transcript NM_001110556.2 (MANE Select); coding-DNA position 5787, G replaced by A.
Protein change: p.Pro1929=; no amino-acid change (proline 1929 retained).
Molecular consequence: synonymous variant.
Genome position (GRCh38, 1-based): chrX:154,353,627, C>T on the plus strand (G>A on the coding strand, the complement: FLNA is on the minus strand). VCF-style: chrX-154353627-C-T. GRCh37 (hg19) VCF-style: chrX-153581995-C-T.
Other names: p.Pro1921=; c.5787G>A (NM_001110556.1); c.5763G>A, p.Pro1921= (NM_001456.4).
Identifiers: ClinVar variation 465003 (VCV000465003.23), dbSNP rs376974488, ClinGen allele CA10560227.

ClinVar aggregate classification (germline): Benign/Likely benign. Review status: criteria provided, multiple submitters, no conflicts (2 of 4 stars). 7 submissions from 7 submitters: Benign (1); Likely benign (5). 1 of the submissions does not count toward it. Last evaluated 2025-10-17.

Conditions:
Heterotopia, periventricular, X-linked dominant (PVNH1). Also called: PERIVENTRICULAR NODULAR HETEROTOPIA 4; HETEROTOPIA, PERIVENTRICULAR, 1; PERIVENTRICULAR NODULAR HETEROTOPIA 1; X-linked periventricular heterotopia. Identifiers: Orphanet 2149, Orphanet 82004, MedGen C1848213, MONDO:0010233, OMIM 300049.
Oto-palato-digital syndrome, type II (OPD2). Also called: Otopalatodigital Syndrome, Type II; Otopalatodigital Syndrome Type 2 (FLNA-OPD2); OPD II SYNDROME; FACIOPALATOOSSEOUS SYNDROME. Identifiers: Orphanet 669, Orphanet 90652, MedGen C1844696, MONDO:0010571, OMIM 304120.
Melnick-Needles syndrome (MNS). Also called: Melnick-Needles Syndrome (FLNA-MNS); MELNICK-NEEDLES OSTEODYSPLASTY; OSTEODYSPLASTY OF MELNICK AND NEEDLES. Identifiers: Orphanet 2484, MedGen C0025237, MONDO:0010650, OMIM 309350.
Frontometaphyseal dysplasia (FMD1). Identifiers: Orphanet 1826, MedGen C0265293, MONDO:0015942.
FLNA-related disorder.
Familial thoracic aortic aneurysm and aortic dissection (TAAD). Also called: Thoracic aortic aneurysms and dissections. Identifiers: Orphanet 91387, MedGen C4707243, MONDO:0019625.

Allele frequency attached by ClinVar (database versions not stated): gnomAD exomes 0.00004 and 0.00008; ExAC 0.00009; gnomAD 0.00012; TOPMed 0.00017; ESP Exome Variant Server 0.00019.
gnomAD v4.1: 57 of 1,210,534 alleles (0.0047%); highest among the groups gnomAD compares: African/African-American, 0.033%; no homozygotes.

Submissions (8):

Labcorp Genetics (formerly Invitae), Labcorp
Classification: Likely benign for Oto-palato-digital syndrome, type II; Heterotopia, periventricular, X-linked dominant; Frontometaphyseal dysplasia; Melnick-Needles syndrome. Last evaluated: 2025-10-17. Review status: criteria provided, single submitter. Criteria: Invitae Variant Classification Sherloc (09022015). Collection method: clinical testing. Allele origin: germline.

Mayo Clinic Laboratories, Mayo Clinic
Classification: Benign. Last evaluated: 2024-11-25. Review status: criteria provided, single submitter. Criteria: ACMG Guidelines, 2015. Collection method: clinical testing. Allele origin: germline. Observed: 1 variant allele.
Comment: BS1, BS2, BP4, BP7

Blueprint Genetics
Classification: Likely benign. Last evaluated: 2023-07-03. Review status: criteria provided, single submitter. Criteria: ACMG Guidelines, 2015. Collection method: clinical testing. Allele origin: germline.

GeneDx
Classification: Likely benign. Last evaluated: 2021-07-26. Review status: criteria provided, single submitter. Criteria: GeneDx Variant Classification Process June 2021. Collection method: clinical testing. Allele origin: germline. Affected: yes.

Genetic Services Laboratory, University of Chicago
Classification: Likely benign. Last evaluated: 2020-05-19. Review status: criteria provided, single submitter. Criteria: ACMG Guidelines, 2015. Collection method: clinical testing. Allele origin: germline. Affected: no.

Ambry Genetics
Classification: Likely benign for Familial thoracic aortic aneurysm and aortic dissection. Last evaluated: 2017-07-07. Review status: criteria provided, single submitter. Criteria: Ambry Variant Classification Scheme 2023. Collection method: clinical testing. Allele origin: germline.

PreventionGenetics, part of Exact Sciences
Classification: Likely benign for FLNA-related condition. Last evaluated: 2022-06-13. Review status: no assertion criteria provided. Collection method: clinical testing. Allele origin: germline. Not counted in ClinVar's aggregate classification.
Comment: This variant is classified as likely benign based on ACMG/AMP sequence variant interpretation guidelines (Richards et al. 2015 PMID: 25741868, with internal and published modifications).

Dr. Peter K. Rogan Lab, Western University
No classification provided (evidence only). Condition: Cervical cancer. Review status: no classification provided. Collection method: in vitro. Allele origin: not applicable. Functional consequence: skipped exon, retained intron. Not counted in ClinVar's aggregate classification.